The following is an entry in ClinVar:

NM_002872.5(RAC2):c.305G>A (p.Arg102Gln)

Gene: RAC2 (Rac family small GTPase 2; minus strand). Cytogenetic location: 22q13.1.
Variant type: single nucleotide variant.
Coding change: c.305G>A on transcript NM_002872.5 (MANE Select); coding-DNA position 305, G replaced by A.
Protein change: p.Arg102Gln; replaces arginine 102 with glutamine.
Molecular consequence: missense variant.
Genome position (GRCh38, 1-based): chr22:37,231,374, C>T on the plus strand (G>A on the coding strand, the complement: RAC2 is on the minus strand). VCF-style: chr22-37231374-C-T. GRCh37 (hg19) VCF-style: chr22-37627414-C-T.
Other names: short protein forms R102Q.
Identifiers: ClinVar variation 1382760 (VCV001382760.8), dbSNP rs371002273, ClinGen allele CA10217538.

ClinVar aggregate classification (germline): Uncertain significance (1 of 4 stars; one submission).

Conditions:
Neutrophil immunodeficiency syndrome. Also called: Immunodeficiency 73A with defective neutrophil chemotaxis and leukocytosis. Identifiers: Orphanet 183707, MedGen C1842398, MONDO:0011988, OMIM 608203.

Allele frequency attached by ClinVar (database versions not stated): gnomAD 0.00001; TOPMed 0.00003; ESP Exome Variant Server 0.00008.

Submission:

Labcorp Genetics (formerly Invitae), Labcorp
Classification: Uncertain significance for Neutrophil immunodeficiency syndrome. Last evaluated: 2024-06-20. Review status: criteria provided, single submitter. Criteria: Invitae Variant Classification Sherloc (09022015). Collection method: clinical testing. Allele origin: germline.
Comment: This sequence change replaces arginine, which is basic and polar, with glutamine, which is neutral and polar, at codon 102 of the RAC2 protein (p.Arg102Gln). This variant is present in population databases (rs371002273, gnomAD 0.02%). This variant has not been reported in the literature in individuals affected with RAC2-related conditions. ClinVar contains an entry for this variant (Variation ID: 1382760). Advanced modeling of protein sequence and biophysical properties (such as structural, functional, and spatial information, amino acid conservation, physicochemical variation, residue mobility, and thermodynamic stability) performed at Invitae indicates that this missense variant is not expected to disrupt RAC2 protein function with a negative predictive value of 95%. In summary, the available evidence is currently insufficient to determine the role of this variant in disease. Therefore, it has been classified as a Variant of Uncertain Significance.